The following is an entry in ClinVar:

ClinVar aggregate classification (germline): Pathogenic (1 of 4 stars; one submission).

Conditions:
Congenital contractures of the limbs and face, hypotonia, and developmental delay (CLIFAHDD). Identifiers: Orphanet 562528, MedGen C4225398, MONDO:0014556, OMIM 616266.

Submission:

Women's Health and Genetics/Laboratory Corporation of America, LabCorp
Classification: Pathogenic for Congenital contractures of the limbs and face, hypotonia, and developmental delay. Last evaluated: 2023-12-29. Review status: criteria provided, single submitter. Criteria: LabCorp Variant Classification Summary - May 2015. Collection method: clinical testing. Allele origin: germline.
Comment: Variant summary: NALCN c.3703delG (p.Asp1235ThrfsX3) results in a premature termination codon, predicted to cause absence of the protein due to nonsense mediated decay, which is a commonly known mechanism for disease. The variant was absent in 251046 control chromosomes (gnomAD). To our knowledge, no occurrence of c.3703delG in individuals affected with Congenital Contractures Of The Limbs And Face, Hypotonia, And Developmental Delay and no experimental evidence demonstrating its impact on protein function have been reported. No submitters have cited clinical-significance assessments for this variant to ClinVar after 2014. Based on the evidence outlined above, the variant was classified as pathogenic.

NM_052867.4(NALCN):c.3703del (p.Asp1235fs)

Gene: NALCN (sodium leak channel, non-selective; minus strand). Cytogenetic location: 13q32.3.
Variant type: Deletion.
Coding change: c.3703del on transcript NM_052867.4 (MANE Select); coding-DNA position 3703, one base deleted (G; older notation c.3703delG).
Protein change: p.Asp1235fs; shifts the reading frame from aspartic acid 1235.
Molecular consequence: frameshift variant.
Genome position (GRCh38, 1-based): chr13:101,082,871, C deleted on the plus strand (G on the coding strand, the reverse complement: NALCN is on the minus strand); the first of 2 consecutive C bases (chr13:101,082,871-101,082,872); deleting either gives the same sequence. VCF-style (leftmost placement, unchanged base first): chr13-101082870-TC-T. GRCh37 (hg19) VCF-style: chr13-101735221-TC-T.
Other names: c.3790del, p.Asp1264fs (NM_001350748.2); c.3703del, p.Asp1235fs (NM_001350749.2); c.3616del, p.Asp1206fs (NM_001350750.2, NM_001350751.2); c.3703delG (NM_052867.4); short protein forms D1206fs, D1235fs, D1264fs.
Identifiers: ClinVar variation 2691453 (VCV002691453.1), dbSNP rs2033731019, ClinGen allele CA2114389408.